The following is an entry in ClinVar:

NM_001166108.2(PALLD):c.1965-12747T>G

Gene: PALLD (palladin, cytoskeletal associated protein; plus strand). Cytogenetic location: 4q32.3.
Variant type: single nucleotide variant.
Coding change: c.1965-12747T>G on transcript NM_001166108.2 (MANE Select); 12747 bases into the intron before coding-DNA position 1965, T replaced by G.
Molecular consequence: intron variant. On other transcripts: missense variant (1).
Genome position (GRCh38, 1-based): chr4:168,878,175, T>G. VCF-style: chr4-168878175-T-G. GRCh37 (hg19) VCF-style: chr4-169799326-T-G.
Other names: c.284T>G, p.Val95Gly (NM_001166110.2); c.1965-12747T>G (NM_016081.4); c.819-12747T>G (NM_001166109.2); c.-157-12747T>G (NM_001367570.1, NM_001367568.1, NM_001367567.1 and 1 more transcripts); short protein forms V95G.
Identifiers: ClinVar variation 3885331 (VCV003885331.1).
Genomic context (GRCh38, chr4:168,878,175, plus strand): 5'-CTGAGCCCGAGGCCCCGTGGGGCTCCTCCTCGCCGTCGCCCCCGCCCCCGCCACCCCCGG[T>G]CTTCAGCCCCACGGCTGCCTTCCCGGTGCCCGACGTGTTCCCACTGCCGCCGCCACCACC-3'

ClinVar aggregate classification (germline): Uncertain significance (1 of 4 stars; one submission).

Submission:

Ambry Genetics
Classification: Uncertain significance. Last evaluated: 2025-02-08. Review status: criteria provided, single submitter. Criteria: Ambry Variant Classification Scheme 2023. Collection method: clinical testing. Allele origin: germline.
Comment: The p.V95G variant (also known as c.284T>G), located in coding exon 1 of the PALLD gene, results from a T to G substitution at nucleotide position 284. The valine at codon 95 is replaced by glycine, an amino acid with dissimilar properties. This amino acid position is conserved. In addition, this alteration is predicted to be tolerated by in silico analysis. Based on the available evidence, the clinical significance of this variant remains unclear.